The following is an entry in ClinVar:

NM_002080.4(GOT2):c.1082A>G (p.Asn361Ser)

Gene: GOT2 (glutamic-oxaloacetic transaminase 2; minus strand). Cytogenetic location: 16q21.
Variant type: single nucleotide variant.
Coding change: c.1082A>G on transcript NM_002080.4 (MANE Select); coding-DNA position 1082, A replaced by G.
Protein change: p.Asn361Ser; replaces asparagine 361 with serine.
Molecular consequence: missense variant.
Genome position (GRCh38, 1-based): chr16:58,709,505, T>C on the plus strand (A>G on the coding strand, the complement: GOT2 is on the minus strand). VCF-style: chr16-58709505-T-C. GRCh37 (hg19) VCF-style: chr16-58743409-T-C.
Other names: c.953A>G, p.Asn318Ser (NM_001286220.2); short protein forms N318S, N361S.
Identifiers: ClinVar variation 1393222 (VCV001393222.3), dbSNP rs754684656, ClinGen allele CA8090857.
Genomic context (GRCh38, chr16:58,709,505, plus strand): 5'-AACATGCCAATTTGGTCGGTGATGTGTTGCCAATTGTGGGTGGAACCCTCCTTCTTGAGG[T>C]TGGAGACCAGTTGAGTCCGCATGCCAATGATGCGGTCAGCCATGACTTTCACTTCTTGCA-3'
Protein context (NP_002071.2, residues 351-371): IIGMRTQLVS[Asn361Ser]LKKEGSTHNW

ClinVar aggregate classification (germline): Uncertain significance (1 of 4 stars; one submission).

Allele frequency attached by ClinVar (database versions not stated): ExAC 0.00001; gnomAD 0.00001; gnomAD exomes 0.00001; TOPMed 0.00002.
gnomAD v4.1: 22 of 1,613,760 alleles (0.0014%); highest among the groups gnomAD compares: East Asian, 0.0022%; no homozygotes.

Submission:

Labcorp Genetics (formerly Invitae), Labcorp
Classification: Uncertain significance. Last evaluated: 2021-10-12. Review status: criteria provided, single submitter. Criteria: Invitae Variant Classification Sherloc (09022015). Collection method: clinical testing. Allele origin: germline.
Comment: This sequence change replaces asparagine with serine at codon 361 of the GOT2 protein (p.Asn361Ser). The asparagine residue is moderately conserved and there is a small physicochemical difference between asparagine and serine. The frequency data for this variant in the population databases is considered unreliable, as metrics indicate poor data quality at this position in the ExAC database. This variant has not been reported in the literature in individuals affected with GOT2-related conditions. Algorithms developed to predict the effect of missense changes on protein structure and function (SIFT, PolyPhen-2, Align-GVGD) all suggest that this variant is likely to be tolerated. Algorithms developed to predict the effect of sequence changes on RNA splicing suggest that this variant may create or strengthen a splice site. In summary, the available evidence is currently insufficient to determine the role of this variant in disease. Therefore, it has been classified as a Variant of Uncertain Significance.